The following is an entry in ClinVar:

ClinVar aggregate classification (germline): Uncertain significance (1 of 4 stars; one submission).

Conditions:
Hypertrophic cardiomyopathy. Also called: HYPERTROPHIC MYOCARDIOPATHY. Identifiers: Orphanet 217569, MedGen C0007194, MeSH D002312, MONDO:0005045, HP:0001639.

Allele frequency attached by ClinVar (database versions not stated): TOPMed below 0.00001; gnomAD 0.00001.
gnomAD v4.1: 1 of 1,600,548 alleles (0.000062%); highest among the groups gnomAD compares: Non-Finnish European, 0.000085%; no homozygotes.

Submission:

Labcorp Genetics (formerly Invitae), Labcorp
Classification: Uncertain significance for Hypertrophic cardiomyopathy. Last evaluated: 2023-11-14. Review status: criteria provided, single submitter. Criteria: Invitae Variant Classification Sherloc (09022015). Collection method: clinical testing. Allele origin: germline.
Comment: This sequence change replaces alanine, which is neutral and non-polar, with valine, which is neutral and non-polar, at codon 28 of the TNNI3 protein (p.Ala28Val). This variant is present in population databases (no rsID available, gnomAD 0.007%). This variant has not been reported in the literature in individuals affected with TNNI3-related conditions. An algorithm developed to predict the effect of missense changes on protein structure and function (PolyPhen-2) suggests that this variant is likely to be disruptive. In summary, the available evidence is currently insufficient to determine the role of this variant in disease. Therefore, it has been classified as a Variant of Uncertain Significance.

NM_000363.5(TNNI3):c.83C>T (p.Ala28Val)

Gene: TNNI3 (troponin I3, cardiac type; minus strand). Cytogenetic location: 19q13.42.
Variant type: single nucleotide variant.
Coding change: c.83C>T on transcript NM_000363.5 (MANE Select); coding-DNA position 83, C replaced by T.
Protein change: p.Ala28Val; replaces alanine 28 with valine.
Molecular consequence: missense variant.
Genome position (GRCh38, 1-based): chr19:55,157,075, G>A on the plus strand (C>T on the coding strand, the complement: TNNI3 is on the minus strand). VCF-style: chr19-55157075-G-A. GRCh37 (hg19) VCF-style: chr19-55668443-G-A.
Other names: short protein forms A28V.
Identifiers: ClinVar variation 2833521 (VCV002833521.3), dbSNP rs1194177269, ClinGen allele CA407442955.